The following is an entry in ClinVar:

ClinVar aggregate classification (germline): Uncertain significance (1 of 4 stars; one submission).

Conditions:
Candidiasis, familial, 8 (CANDF8). Identifiers: Orphanet 1334, MedGen C3714992, MONDO:0014230, OMIM 615527.

Allele frequency attached by ClinVar (database versions not stated): gnomAD exomes 0.00001; TOPMed 0.00001.

Submission:

Labcorp Genetics (formerly Invitae), Labcorp
Classification: Uncertain significance for Candidiasis, familial, 8. Last evaluated: 2022-09-01. Review status: criteria provided, single submitter. Criteria: Invitae Variant Classification Sherloc (09022015). Collection method: clinical testing. Allele origin: germline.
Comment: This sequence change replaces valine, which is neutral and non-polar, with methionine, which is neutral and non-polar, at codon 470 of the TRAF3IP2 protein (p.Val470Met). This variant is present in population databases (no rsID available, gnomAD 0.002%). This variant has not been reported in the literature in individuals affected with TRAF3IP2-related conditions. ClinVar contains an entry for this variant (Variation ID: 1393676). Algorithms developed to predict the effect of missense changes on protein structure and function are either unavailable or do not agree on the potential impact of this missense change (SIFT: "Deleterious"; PolyPhen-2: "Probably Damaging"; Align-GVGD: "Class C0"). In summary, the available evidence is currently insufficient to determine the role of this variant in disease. Therefore, it has been classified as a Variant of Uncertain Significance.

NM_147686.4(TRAF3IP2):c.1408G>A (p.Val470Met)

Genes: TRAF3IP2 (TRAF3 interacting protein 2; minus strand), TRAF3IP2-AS1 (TRAF3IP2 antisense RNA 1; plus strand). Cytogenetic location: 6q21.
Variant type: single nucleotide variant.
Coding change: c.1408G>A on transcript NM_147686.4 (MANE Select); coding-DNA position 1408, G replaced by A.
Protein change: p.Val470Met; replaces valine 470 with methionine.
Molecular consequence: missense variant.
Genome position (GRCh38, 1-based): chr6:111,566,512, C>T on the plus strand (G>A on the coding strand, the complement: TRAF3IP2 is on the minus strand). VCF-style: chr6-111566512-C-T. GRCh37 (hg19) VCF-style: chr6-111887715-C-T.
Other names: c.1405G>A, p.Val469Met (NM_001164281.3); c.40G>A, p.Val14Met (NM_001164283.3); c.1435G>A, p.Val479Met (NM_147200.3); short protein forms V14M, V469M, V470M, V479M.
Identifiers: ClinVar variation 1393676 (VCV001393676.6), dbSNP rs1237812708, ClinGen allele CA365361356.